The following is an entry in ClinVar:

NM_002976.4(SCN7A):c.4786G>C (p.Val1596Leu)

Gene: SCN7A (sodium voltage-gated channel alpha subunit 7; minus strand). Cytogenetic location: 2q24.3.
Variant type: single nucleotide variant.
Coding change: c.4786G>C on transcript NM_002976.4 (MANE Select); coding-DNA position 4786, G replaced by C.
Protein change: p.Val1596Leu; replaces valine 1596 with leucine.
Molecular consequence: missense variant. On other transcripts: non-coding transcript variant (1).
Genome position (GRCh38, 1-based): chr2:166,405,843, C>G on the plus strand (G>C on the coding strand, the complement: SCN7A is on the minus strand). VCF-style: chr2-166405843-C-G. GRCh37 (hg19) VCF-style: chr2-167262353-C-G.
Other names: short protein forms V1596L.
Identifiers: ClinVar variation 3057148 (VCV003057148.2), dbSNP rs3791251, ClinGen allele CA1944980.
Genomic context (GRCh38, chr2:166,405,843, plus strand): 5'-TTGGCTCACATGTGATCTTAAAAGGGTTGGCTAACAAAAACCCTGATTCTATTTCTGAAA[C>G]AACTTTCTCCATCCTCACATCTTGACCCATAACTCTCTTTGTAAAAGCAAGTAAGATATC-3'
Protein context (NP_002967.2, residues 1586-1606): MGQDVRMEKV[Val1596Leu]SEIESGFLLA

ClinVar aggregate classification (germline): Benign (0 of 4 stars; one submission).

Conditions:
SCN7A-related disorder. Also called: SCN7A-related condition.

Allele frequency attached by ClinVar (database versions not stated): 1000 Genomes Project 30x 0.07495; 1000 Genomes Project 0.07548; TOPMed 0.07732; ESP Exome Variant Server 0.08093; gnomAD 0.08101; ExAC 0.09669; gnomAD exomes 0.09722.
gnomAD v4.1: 154,956 of 1,612,964 alleles (9.6%); highest among the groups gnomAD compares: Middle Eastern, 18%; 8,123 homozygotes.

Submission:

PreventionGenetics, part of Exact Sciences
Classification: Benign for SCN7A-related condition. Last evaluated: 2019-10-21. Review status: no assertion criteria provided. Collection method: clinical testing. Allele origin: germline.
Comment: This variant is classified as benign based on ACMG/AMP sequence variant interpretation guidelines (Richards et al. 2015 PMID: 25741868, with internal and published modifications).